The following is an entry in ClinVar:

NM_000094.4(COL7A1):c.4028del (p.Arg1343fs)

Gene: COL7A1 (collagen type VII alpha 1 chain; minus strand). Cytogenetic location: 3p21.31.
Variant type: Deletion.
Coding change: c.4028del on transcript NM_000094.4 (MANE Select); coding-DNA position 4028, one base deleted (G; older notation c.4028delG).
Protein change: p.Arg1343fs; shifts the reading frame from arginine 1343.
Molecular consequence: frameshift variant.
Genome position (GRCh38, 1-based): chr3:48,584,753, C deleted on the plus strand (G on the coding strand, the reverse complement: COL7A1 is on the minus strand). VCF-style (leftmost placement, unchanged base first): chr3-48584752-TC-T. GRCh37 (hg19) VCF-style: chr3-48622185-TC-T.
Other names: short protein forms R1343fs.
Identifiers: ClinVar variation 4714722 (VCV004714722.1).

ClinVar aggregate classification (germline): Pathogenic (1 of 4 stars; one submission).

Submission:

Labcorp Genetics (formerly Invitae), Labcorp
Classification: Pathogenic. Last evaluated: 2025-03-09. Review status: criteria provided, single submitter. Criteria: Invitae Variant Classification Sherloc (09022015). Collection method: clinical testing. Allele origin: germline.
Comment: This sequence change creates a premature translational stop signal (p.Arg1343Glnfs*56) in the COL7A1 gene. It is expected to result in an absent or disrupted protein product. Loss-of-function variants in COL7A1 are known to be pathogenic (PMID: 16971478). This variant is not present in population databases (gnomAD no frequency). This variant has not been reported in the literature in individuals affected with COL7A1-related conditions. For these reasons, this variant has been classified as Pathogenic.

Literature cited by the submitters: PubMed 16971478.